The following is an entry in ClinVar:

ClinVar aggregate classification (germline): Pathogenic. Review status: reviewed by expert panel (3 of 4 stars). 23 submissions from 22 submitters: Pathogenic (1). 22 of the submissions do not count toward it. Last evaluated 2026-10-07.

Conditions:
Anauxetic dysplasia. Identifiers: Orphanet 93347, MedGen C1846796, MONDO:0011773.
RMRP-related disorder. Also called: RMRP-related condition.
Anauxetic dysplasia 1 (ANXD1). Also called: Anauxetic Dysplasia (AD). Identifiers: Orphanet 93347, MedGen C4551965, MONDO:0054560, OMIM 607095.
Metaphyseal chondrodysplasia, McKusick type (CHH). Also called: Cartilage-Hair Hypoplasia (CHH); Cartilage-hair hypoplasia. Identifiers: Orphanet 175, MedGen C0220748, MONDO:0009595, OMIM 250250.
Metaphyseal dysplasia without hypotrichosis. Also called: CARTILAGE-HAIR HYPOPLASIA VARIANT, SKELETAL MANIFESTATIONS ONLY; CARTILAGE-HAIR HYPOPLASIA-LIKE SKELETAL DYSPLASIA WITHOUT HYPOTRICHOSIS OR IMMUNODEFICIENCY; Metaphyseal Dysplasia without Hypotrichosis (MDWH). Identifiers: MedGen C1834821, MONDO:0009601, OMIM 250460.

Allele frequency attached by ClinVar (database versions not stated): gnomAD exomes 0.00087; TOPMed 0.00139; 1000 Genomes Project 30x 0.00016; gnomAD 0.00156 and 0.00123; ExAC 0.00047.
gnomAD v4.1: 820 of 700,414 alleles (0.12%); highest among the groups gnomAD compares: Admixed American, 0.086%; 2 homozygotes.

Submissions 1 to 8 of 23:

ClinGen Severe Combined Immunodeficiency Variant Curation Expert Panel, ClinGen
Classification: Pathogenic for Metaphyseal chondrodysplasia, McKusick type. Last evaluated: 2026-10-07. Review status: reviewed by expert panel. Criteria: ClinGen SCID ACMG Specifications RMRP V1.3. Collection method: curation. Allele origin: germline. Inheritance: Autosomal recessive inheritance.
Comment: The NC_000009.12:g.35657948T>C in RMRP is a variant predicted to cause the substitution of an Adenine by a Guanine at position 70 of the mRNA (c.70A>G). It is also described in the literature as 70A-G and NR_003051.3:g.70A>G. The popmax filtering allele frequency of this variant in Amish population is 0.04605 and in European Finnish population is 0.008948 which are greater than the BA1 cut off (>0.004), but can't apply BA1 because both Amish and European-Finnish are bottleneck populations. In addition, the Grpmax filtering allele frequency of this variant in RMRP is 0.0006551 (Admixed American) by gnomAD v4.1.2, which is lower than the ClinGen SCID VCEP threshold (>0.00400) for BA1. So BA1 not met. The popmax filtering allele frequency of this variant in Amish population is 0.04605 and in European Finnish population is 0.008948 which are greater than the BS1 cut off (>0.00089). But BS1 criteria is not applicable because this variant is a well known founder variant in the Amish and European Finnish population, and 90% of Finnish individuals with CHH carry this variant. The variant has two homozygotes in gnomAD v4.1.2. However, individuals with this variant have been reported with mild or absent childhood manifestations and later-onset clinical features (PMID: 29688570, 31413121). Therefore, the gnomAD homozygotes cannot be assumed to be unaffected. So BS2_Supp is not met. The Grpmax filtering allele frequency of this variant in RMRP is 0.0006551 (Admixed American) by gnomAD v4.1.2, which is higher than the ClinGen SCID VCEP threshold (<0.0000447) for PM2_Supporting. So PM2_Supporting not met. This variant has been found homozygous in 74 Finnish families and 13 families from other countries, reach 43.5 total points. Therefore, PM3_Very strong is met (PMID: 12107819, 12888988). The variant has been reported to segregate with Chronic hair hypoplasia through at least 16 affected meioses from 13 families (PP1_Strong, PMID: 27740950, 11207361). 25 homozygous patients with Cartilage Hair Hypoplasia met the PP4 criteria (PMID: 19150606). A total of 2.0 points were assigned to this cohort:1.0 point for meeting the diagnosis criteria for Leaky SCID according to the PIDTC 2022 specification, and 1.0 point for the Metaphyseal dysplasia. Therefore, PP4_Moderate is met (PMID: 12888988, 11207361). Expression of RMRP mRNA was markedly reduced in mouse knock-in ES cells carrying this mutation compared to WT cells (PMID: 17937437). Endonucleolytic cleavage activity assay showed mRNA cleavage activity smaller than 0.9 (PMID: 17701897). So PS3_Supporting is met. In summary, this variant meets the criteria to be classified as Pathogenic for Autosomal recessive Cartilage Hair Hypoplasia based on the ACMG/AMP criteria applied, as specified by the ClinGen SCID VCEP: PP1_Strong, PS3_Supporting and PP4_Moderate and PM3_VeryStrong (VCEP specifications version 1.3).

Labcorp Genetics (formerly Invitae), Labcorp
Classification: Pathogenic for Anauxetic dysplasia. Last evaluated: 2026-02-02. Review status: criteria provided, single submitter. Criteria: Invitae Variant Classification Sherloc (09022015). Collection method: clinical testing. Allele origin: germline. Not counted in ClinVar's aggregate classification.
Comment: This variant occurs in the RMRP gene, which encodes an RNA molecule that does not result in a protein product. This variant is present in population databases (rs199476103, gnomAD 0.9%), and has an allele count higher than expected for a pathogenic variant. This variant has been observed in individual(s) with cartilage-hair hypoplasia-anauxetic dysplasia (CHH-AD) spectrum disorders (PMID: 16097009, 16838329). It is commonly reported in individuals of Amish ancestry (PMID: 8034306, 12888988). This variant is also known as g.70A>G. ClinVar contains an entry for this variant (Variation ID: 14208). Algorithms developed to predict the effect of variants on gene product structure and function are not available or were not evaluated for this variant. Experimental studies have shown that this variant is located in a highly conserved P3 domain involved mainly in mRNA cleavage and have been reported to cause impaired cleavage of both 5.8S rRNA and cyclin B2 mRNA in transfected human fibroblast cells (PMID: 10026268, 11207361, 17701897). For these reasons, this variant has been classified as Pathogenic.

Dasa
Classification: Pathogenic. Last evaluated: 2025-10-31. Review status: criteria provided, single submitter. Criteria: DASA Assertion Criteria. Collection method: clinical testing. Allele origin: germline. Not counted in ClinVar's aggregate classification.
Comment: NR_003051.3(RMRP):n.71A>G is a sequence variant. This variant has been observed in affected individuals with related phenotype in a genotype context consistent with recessive disease (PMID: 16097009; PMID: 16838329). Functional evidence supports a deleterious effect on the gene or gene product (PMID: 16097009; PMID: 16838329). This variant has been recurrently observed in individuals with related phenotype (PMID: 16097009; PMID: 16838329). The variant is present at low frequency in population datasets. Based on the available data, this variant is classified as pathogenic.

Clinical Biomedical Laboratory, Shriners Hospital For Children - Canada
Classification: Pathogenic for Metaphyseal chondrodysplasia, McKusick type. Last evaluated: 2025-10-05. Review status: criteria provided, single submitter. Criteria: ACMG Guidelines, 2015. Collection method: clinical testing. Allele origin: germline. Affected: yes. Not counted in ClinVar's aggregate classification.
Comment: RMRP encodes an RNA molecule that is not translated into a protein. This variant is rare in the Genome Aggregation Database (v2.1.1) and is not present in homozygous form in that database. The variant is the most common cause of cartilage-hair hypoplasia and has also been reported in individuals who were diagnosed with ‘metaphyseal dysplasia without hypotrichosis’ (PMID: 31413121).

Natera, Inc.
Classification: Pathogenic for Cartilage-hair hypoplasia. Last evaluated: 2025-09-29. Review status: criteria provided, single submitter. Criteria: Natera Variant Classification Schema (03/2026). Collection method: clinical testing. Allele origin: germline. Not counted in ClinVar's aggregate classification.
Comment: The n.71A>G variant in RMRP is characterized as a single nucleotide variant (SNV). This variant is rare in the general population with a frequency below the threshold expected for the associated phenotype(s). This variant has been observed in one or more individuals affected with the associated recessive disease, as either homozygous or compound heterozygous with a second variant (PMID: 16838329). Computational prediction algorithms indicate this variant is likely to affect gene or protein function. Given the available evidence, this variant is classified as Pathogenic.

CeGaT Center for Human Genetics Tuebingen
Classification: Pathogenic. Last evaluated: 2025-05-01. Review status: criteria provided, single submitter. Criteria: CeGaT Center For Human Genetics Tuebingen Variant Classification Criteria Version 2. Collection method: clinical testing. Allele origin: germline. Affected: yes. Observed: 3 variant alleles. Not counted in ClinVar's aggregate classification.
Comment: RMRP: PM3:Very Strong, PM1:Supporting, PM2:Supporting, PS3:Supporting

PreventionGenetics, part of Exact Sciences
Classification: Pathogenic for RMRP-related condition. Last evaluated: 2025-01-22. Review status: criteria provided, single submitter. Criteria: ACMG Guidelines, 2015. Collection method: clinical testing. Allele origin: germline. Not counted in ClinVar's aggregate classification.
Comment: The RMRP n.71A>G is a noncoding alteration. This variant, also known as n.70A>G in the literature, was reported in the homozygous or compound heterozygous states in numerous individuals with RMRP-associated disorders (Ridanpää et al. 2001. PubMed ID: 11207361; Thiel et al. 2007. PubMed ID: 17701897). Functional studies showed that the n.71A>G substitution results in impaired cleavage activity and aberrant ribosomal processing (Hermanns et al. 2005. PubMed ID: 16254002; Thiel et al. 2007. PubMed ID: 17701897). This variant is reported in 0.87% of alleles in individuals of European (Finnish) descent in gnomAD. This variant is interpreted as pathogenic.

Blueprint Genetics
Classification: Pathogenic for RMRP-related disorders. Last evaluated: 2024-11-20. Review status: criteria provided, single submitter. Criteria: ACMG Guidelines, 2015. Collection method: clinical testing. Allele origin: germline. Affected: yes. Observed: 5 variant alleles. Not counted in ClinVar's aggregate classification.

NR_003051.4(RMRP):n.72A>G

Genes: CCDC107 (coiled-coil domain containing 107; plus strand), RMRP (RNA component of mitochondrial RNA processing endoribonuclease; minus strand). Cytogenetic location: 9p13.3.
Variant type: single nucleotide variant.
Molecular consequence: non-coding transcript variant (on NR_003051.4).
Genome position: GRCh38 VCF-style: chr9-35657948-T-C. GRCh37 (hg19) VCF-style: chr9-35657945-T-C.
Other names: 70A-G; NR_003051.3:g.70A>G; c.-432T>C (NM_001195200.1).
Identifiers: ClinVar variation 14208 (VCV000014208.62), dbSNP rs199476103, ClinGen allele CA257180.
Genomic context (GRCh38, chr9:35,657,948, plus strand): 5'-AAGCGGGGAATGTCTACGTGCGTATGCACGTGGCACTCTCTGCCCGAGGTCCGGGGACTT[T>C]CCCCTAGGCGGAAAGGGGAGGAACAGAGTCCTCAGTGTGTAGCCTAGGATACAGGCCTTC-3'